The following is an entry in ClinVar:

ClinVar aggregate classification (germline): Uncertain significance (1 of 4 stars; one submission).

gnomAD v4.1: 1 of 1,303,830 alleles (0.000077%); no homozygotes.

Submission:

GeneDx
Classification: Uncertain significance. Last evaluated: 2026-02-01. Review status: criteria provided, single submitter. Criteria: GeneDx Variant Classification Process June 2021. Collection method: clinical testing. Allele origin: germline.
Comment: Not observed at significant frequency in large population cohorts (gnomAD); In silico analysis suggests that this missense variant does not alter protein structure/function; Has not been previously published as pathogenic or benign to our knowledge

NM_003185.4(TAF4):c.1151C>G (p.Pro384Arg)

Gene: TAF4 (TATA-box binding protein associated factor 4; minus strand). Cytogenetic location: 20q13.33.
Variant type: single nucleotide variant.
Coding change: c.1151C>G on transcript NM_003185.4 (MANE Select); coding-DNA position 1151, C replaced by G.
Protein change: p.Pro384Arg; replaces proline 384 with arginine.
Molecular consequence: missense variant.
Genome position (GRCh38, 1-based): chr20:62,064,660, G>C on the plus strand (C>G on the coding strand, the complement: TAF4 is on the minus strand). VCF-style: chr20-62064660-G-C. GRCh37 (hg19) VCF-style: chr20-60639716-G-C.
Other names: short protein forms P384R.
Identifiers: ClinVar variation 4975867 (VCV004975867.1).
Genomic context (GRCh38, chr20:62,064,660, plus strand): 5'-GCGCCTTTGGGCAGCCCGGTGGGGGTCCCGGGGGCGGGCGGCGGGACGGCGGCCGGGCTG[G>C]GCAGCGCCCCTTGCATAGTTGGCCCGATGACCATGCTGGCCGCCGTGCTGGCCGGGCCGC-3'
Protein context (NP_003176.2, residues 374-394): VIGPTMQGAL[Pro384Arg]SPAAVPPPAP